The following is an entry in ClinVar:

NM_001379110.1(SLC9A6):c.517G>A (p.Val173Ile)

Gene: SLC9A6 (solute carrier family 9 member A6; plus strand). Cytogenetic location: Xq26.3.
Variant type: single nucleotide variant.
Coding change: c.517G>A on transcript NM_001379110.1 (MANE Select); coding-DNA position 517, G replaced by A.
Protein change: p.Val173Ile; replaces valine 173 with isoleucine.
Molecular consequence: missense variant.
Genome position (GRCh38, 1-based): chrX:135,998,551, G>A. VCF-style: chrX-135998551-G-A. GRCh37 (hg19) VCF-style: chrX-135080710-G-A.
Other names: NM_001379110.1(SLC9A6):c.517G>A; p.Val173Ile; c.673G>A, p.Val225Ile (NM_001042537.2); c.517G>A, p.Val173Ile (NM_001177651.2); c.421G>A, p.Val141Ile (NM_001330652.2); c.577G>A, p.Val193Ile (NM_006359.3); short protein forms V193I, V225I, V141I, V173I.
Identifiers: ClinVar variation 512592 (VCV000512592.16), dbSNP rs782117973, ClinGen allele CA10524682.
Genomic context (GRCh38, chrX:135,998,551, plus strand): 5'-TTTCGAAATCTTGGGTCTATCCTAGCATACGCTTTTCTTGGAACAGCAATTTCTTGTTTC[G>A]TTATTGGGTAAGTATTTTAAGCTTAAAATACTTTGTGGCCTTCAAATTATAATTTTAAAA-3'
Protein context (NP_001366039.1, residues 163-183): AFLGTAISCF[Val173Ile]IGSIMYGCVT

ClinVar aggregate classification (germline): Likely benign. Review status: reviewed by expert panel (3 of 4 stars). 4 submissions from 4 submitters: Likely benign (1). 3 of the submissions do not count toward it. Last evaluated 2024-02-23.

Conditions:
Inborn genetic diseases. Identifiers: MedGen C0950123, MeSH D030342.
Christianson syndrome (MRXSCH). Also called: SLC9A6-Related Syndromic Mental Retardation; X-linked mental retardation, syndromic, Christianson type; INTELLECTUAL DEVELOPMENTAL DISORDER, X-LINKED, SYNDROMIC, CHRISTIANSON TYPE. Identifiers: Orphanet 85278, MedGen C2678194, MONDO:0010278, OMIM 300243.

Allele frequency attached by ClinVar (database versions not stated): TOPMed below 0.00001; gnomAD 0.00001; gnomAD exomes 0.00002; ExAC 0.00003.
gnomAD v4.1: 19 of 1,158,501 alleles (0.0016%); highest among the groups gnomAD compares: South Asian, 0.0077%; no homozygotes.

Submissions (4):

ClinGen Rett and Angelman-like Disorders Variant Curation Expert Panel
Classification: Likely benign for Christianson syndrome. Last evaluated: 2024-02-23. Review status: reviewed by expert panel. Criteria: ClinGen RettAS ACMG Specifications SLC9A6 V3.0.0. Collection method: curation. Allele origin: germline. Inheritance: X-linked inheritance.
Comment: The allele frequency of the p.Val193Ile variant in SLC9A6 (NM_006359.2) is 0.008% in South Asian sub population in gnomAD v4, which is high enough to meet the BS1 criteria based on thresholds defined by the ClinGen Rett/Angelman-like Expert Panel for Rett/AS-like conditions (BS1). Computational analysis prediction tools suggest that the p.Val193Ile variant does not have a deleterious impact; however this information does not predict clinical significance on its own (BP4). The p.Val193Ile variant is observed in the hemizygous state in at least 1 unaffected individuals (internal database - GeneDx) (BS2_supporting). In summary, the p.Val193Ile variant in SLC9A6 is classified as likely benign based on the ACMG/AMP criteria (BS1, BP4, BS2_supporting, BP5).

Labcorp Genetics (formerly Invitae), Labcorp
Classification: Likely benign for Christianson syndrome. Last evaluated: 2025-10-11. Review status: criteria provided, single submitter. Criteria: Invitae Variant Classification Sherloc (09022015). Collection method: clinical testing. Allele origin: germline. Not counted in ClinVar's aggregate classification.

Ambry Genetics
Classification: Likely benign for Inborn genetic diseases. Last evaluated: 2024-06-04. Review status: criteria provided, single submitter. Criteria: Ambry Variant Classification Scheme 2023. Collection method: clinical testing. Allele origin: germline. Not counted in ClinVar's aggregate classification.

GeneDx
Classification: Likely benign. Last evaluated: 2019-11-01. Review status: criteria provided, single submitter. Criteria: GeneDx Variant Classification Process June 2021. Collection method: clinical testing. Allele origin: germline. Affected: yes. Not counted in ClinVar's aggregate classification.